The following is an entry in ClinVar:

ClinVar aggregate classification (germline): Uncertain significance (1 of 4 stars; one submission).

Conditions:
Primary ciliary dyskinesia. Also called: Ciliary dyskinesia. Identifiers: Orphanet 244, MedGen C0008780, MONDO:0016575, HP:0012265.

Allele frequency attached by ClinVar (database versions not stated): gnomAD exomes 0.00003; ExAC 0.00004; TOPMed 0.00006; gnomAD 0.00007; ESP Exome Variant Server 0.00008; 1000 Genomes Project 0.00040; 1000 Genomes Project 30x 0.00047.
gnomAD v4.1: 25 of 1,604,746 alleles (0.0016%); highest among the groups gnomAD compares: African/African-American, 0.027%; no homozygotes.

Submission:

Labcorp Genetics (formerly Invitae), Labcorp
Classification: Uncertain significance for Primary ciliary dyskinesia. Last evaluated: 2021-08-24. Review status: criteria provided, single submitter. Criteria: Invitae Variant Classification Sherloc (09022015). Collection method: clinical testing. Allele origin: germline.
Comment: This sequence change replaces isoleucine with valine at codon 484 of the DNAAF5 protein (p.Ile484Val). The isoleucine residue is moderately conserved and there is a small physicochemical difference between isoleucine and valine. This variant is present in population databases (rs139727224, ExAC 0.04%). This variant has not been reported in the literature in individuals affected with DNAAF5-related conditions. Algorithms developed to predict the effect of missense changes on protein structure and function output the following: SIFT: "Tolerated"; PolyPhen-2: "Benign"; Align-GVGD: "Class C0". The valine amino acid residue is found in multiple mammalian species, which suggests that this missense change does not adversely affect protein function. In summary, the available evidence is currently insufficient to determine the role of this variant in disease. Therefore, it has been classified as a Variant of Uncertain Significance.

NM_017802.4(DNAAF5):c.1450A>G (p.Ile484Val)

Gene: DNAAF5 (dynein axonemal assembly factor 5; plus strand). Cytogenetic location: 7p22.3.
Variant type: single nucleotide variant.
Coding change: c.1450A>G on transcript NM_017802.4 (MANE Select); coding-DNA position 1450, A replaced by G.
Protein change: p.Ile484Val; replaces isoleucine 484 with valine.
Molecular consequence: missense variant. On other transcripts: non-coding transcript variant (1).
Genome position (GRCh38, 1-based): chr7:756,974, A>G. VCF-style: chr7-756974-A-G. GRCh37 (hg19) VCF-style: chr7-796611-A-G.
Other names: short protein forms I484V.
Identifiers: ClinVar variation 1020402 (VCV001020402.2), dbSNP rs139727224, ClinGen allele CA4110730.
Genomic context (GRCh38, chr7:756,974, plus strand): 5'-CCCCGAGAAGCCCTCCAGCCGCACCTGGCAGCCATCGCCACAGAGCTGGCACAGGCCCAC[A>G]TCTGCCAGGCATCTGAAAACGTAAGAGCACTTGGGAGATGCGGGAGTGGAGAGGAGGAGC-3'
Protein context (NP_060272.3, residues 474-494): AIATELAQAH[Ile484Val]CQASENDLYL